The following is an entry in ClinVar:

ClinVar aggregate classification (germline): Uncertain significance (1 of 4 stars; one submission).

Conditions:
Myopathy, proximal, and ophthalmoplegia (CMYO6). Also called: CONGENITAL MYOPATHY 6 WITH OPHTHALMOPLEGIA; MYOPATHY WITH CONGENITAL JOINT CONTRACTURES, OPHTHALMOPLEGIA, AND RIMMED VACUOLES; INCLUSION BODY MYOPATHY 3, AUTOSOMAL DOMINANT. Identifiers: Orphanet 363677, Orphanet 79091, MedGen C1854106, MONDO:0011577, OMIM 605637.

Submission:

Labcorp Genetics (formerly Invitae), Labcorp
Classification: Uncertain significance for Myopathy, proximal, and ophthalmoplegia. Last evaluated: 2024-12-09. Review status: criteria provided, single submitter. Criteria: Invitae Variant Classification Sherloc (09022015). Collection method: clinical testing. Allele origin: germline.
Comment: This sequence change replaces glycine, which is neutral and non-polar, with serine, which is neutral and polar, at codon 642 of the MYH2 protein (p.Gly642Ser). This variant is not present in population databases (gnomAD no frequency). This variant has not been reported in the literature in individuals affected with MYH2-related conditions. Invitae Evidence Modeling of protein sequence and biophysical properties (such as structural, functional, and spatial information, amino acid conservation, physicochemical variation, residue mobility, and thermodynamic stability) indicates that this missense variant is not expected to disrupt MYH2 protein function with a negative predictive value of 80%. Algorithms developed to predict the effect of sequence changes on RNA splicing suggest that this variant may create or strengthen a splice site. In summary, the available evidence is currently insufficient to determine the role of this variant in disease. Therefore, it has been classified as a Variant of Uncertain Significance.

NM_017534.6(MYH2):c.1924G>A (p.Gly642Ser)

Genes: MYHAS (myosin heavy chain gene cluster antisense RNA; plus strand), MYH2 (myosin heavy chain 2; minus strand). Cytogenetic location: 17p13.1.
Variant type: single nucleotide variant.
Coding change: c.1924G>A on transcript NM_017534.6 (MANE Select); coding-DNA position 1924, G replaced by A.
Protein change: p.Gly642Ser; replaces glycine 642 with serine.
Molecular consequence: missense variant.
Genome position (GRCh38, 1-based): chr17:10,536,580, C>T on the plus strand (G>A on the coding strand, the complement: MYH2 is on the minus strand). VCF-style: chr17-10536580-C-T. GRCh37 (hg19) VCF-style: chr17-10439897-C-T.
Other names: c.1924G>A, p.Gly642Ser (NM_001100112.2); short protein forms G642S.
Identifiers: ClinVar variation 3693248 (VCV003693248.2).
Genomic context (GRCh38, chr17:10,536,580, plus strand): 5'-TCTTCCTTACTCTGAAAAGGGCAGACACTGTCTGGAAAGAAGAGCCCTTCTTCTTACCAC[C>T]TTTCTTGGCCCCTCCACCAGCTCCCTCTGAAGAAAAAGGAAGAAAAGAAATACTGTTTTG-3'
Protein context (NP_060004.3, residues 632-652): GEGAGGGAKK[Gly642Ser]GKKKGSSFQT